The following is an entry in ClinVar:

NM_000543.5(SMPD1):c.1340+2T>G

Gene: SMPD1 (sphingomyelin phosphodiesterase 1; plus strand). Cytogenetic location: 11p15.4.
Variant type: single nucleotide variant.
Coding change: c.1340+2T>G on transcript NM_000543.5 (MANE Select); the canonical splice donor site of the intron after coding-DNA position 1340, T replaced by G.
Molecular consequence: splice donor variant.
Genome position (GRCh38, 1-based): chr11:6,393,695, T>G. VCF-style: chr11-6393695-T-G. GRCh37 (hg19) VCF-style: chr11-6414925-T-G.
Other names: c.419+2T>G (NM_001318088.2); c.1208+2T>G (NM_001365135.2); c.1340+2T>G (NM_001318087.2, NM_000543.4); c.1337+2T>G (NM_001007593.3).
Identifiers: ClinVar variation 1501526 (VCV001501526.7), dbSNP rs1301641750, ClinGen allele CA379374626.
Genomic context (GRCh38, chr11:6,393,695, plus strand): 5'-ATTCCCCCAGGGCACTGTCTGAAGAGCTGGAGCTGGAATTATTACCGAATTGTAGCCAGG[T>G]AGGACGGAGATGAGGGTGGGAATAGGGACAGGGTGAGTGTCTGAAGGCTGAAAATTCCCT-3'

ClinVar aggregate classification (germline): Pathogenic/Likely pathogenic. Review status: criteria provided, multiple submitters, no conflicts (2 of 4 stars). 2 submissions from 2 submitters: Pathogenic (1); Likely pathogenic (1). Last evaluated 2025-10-02.

Conditions:
Niemann-Pick disease, type B. Also called: Chronic Visceral ASMD (Niemann-Pick Disease Type B; NPD-B). Identifiers: Orphanet 77293, MedGen C0268243, MONDO:0011871, OMIM 607616. Disease mechanism: loss of function.
Niemann-Pick disease, type A. Also called: Infantile Neurovisceral ASMD (Niemann-Pick Disease Type A; NPD-A); SPHINGOMYELIN LIPIDOSIS; SPHINGOMYELINASE DEFICIENCY. Identifiers: Orphanet 77292, MedGen C0268242, MONDO:0009756, OMIM 257200. Disease mechanism: loss of function.

Allele frequency attached by ClinVar (database versions not stated): gnomAD exomes below 0.00001.

Submissions (2):

Natera, Inc.
Classification: Pathogenic for Niemann-Pick Disease, Types A/B. Last evaluated: 2025-10-02. Review status: criteria provided, single submitter. Criteria: Natera Variant Classification Schema (03/2026). Collection method: clinical testing. Allele origin: germline.
Comment: The c.1340+2T>G variant in SMPD1 is a canonical splice donor site variant predicted to affect pre-mRNA splicing, which may result in an abnormal transcript and altered protein product. This variant is expected to result in nonsense mediated decay, truncation, or a dysfunctional protein product. This variant is rare in the general population with a frequency below the threshold expected for the associated phenotype(s). This variant has been observed in one or more individuals affected with the associated recessive disease, as either homozygous or compound heterozygous with a second variant (PMID: 27884455, 40106870). Given the available evidence, this variant is classified as Pathogenic.

Labcorp Genetics (formerly Invitae), Labcorp
Classification: Likely pathogenic for Niemann-Pick disease, type B; Niemann-Pick disease, type A. Last evaluated: 2021-08-29. Review status: criteria provided, single submitter. Criteria: Invitae Variant Classification Sherloc (09022015). Collection method: clinical testing. Allele origin: germline.
Comment: This sequence change affects a donor splice site in intron 4 of the SMPD1 gene. It is expected to disrupt RNA splicing. Variants that disrupt the donor or acceptor splice site typically lead to a loss of protein function (PMID: 16199547), and loss-of-function variants in SMPD1 are known to be pathogenic (PMID: 12369017, 15221801). In summary, the currently available evidence indicates that the variant is pathogenic, but additional data are needed to prove that conclusively. Therefore, this variant has been classified as Likely Pathogenic. Algorithms developed to predict the effect of sequence changes on RNA splicing suggest that this variant may disrupt the consensus splice site. Disruption of this splice site has been observed in individual(s) with acid sphingomyelinase deficiency (PMID: 27884455). This variant is not present in population databases (ExAC no frequency).

Literature cited by the submitters: PubMed 27884455 (cited by Natera, Inc. and Labcorp Genetics (formerly Invitae), Labcorp); PubMed 40106870 (cited by Natera, Inc.); PubMed 16199547 (cited by Labcorp Genetics (formerly Invitae), Labcorp); PubMed 12369017 (cited by Labcorp Genetics (formerly Invitae), Labcorp); PubMed 15221801 (cited by Labcorp Genetics (formerly Invitae), Labcorp).